The following is an entry in ClinVar:

ClinVar aggregate classification (germline): Benign/Likely benign. Review status: criteria provided, multiple submitters, no conflicts (2 of 4 stars). 4 submissions from 4 submitters: Benign (2); Likely benign (2). Last evaluated 2026-02-03.

Allele frequency attached by ClinVar (database versions not stated): ESP Exome Variant Server 0.02545; 1000 Genomes Project 30x 0.01171; TOPMed 0.02193; gnomAD exomes 0.02457 and 0.03066; ExAC 0.02534; 1000 Genomes Project 0.01298; gnomAD 0.02151 and 0.02174.
gnomAD v4.1: 48,037 of 1,611,560 alleles (3%); highest among the groups gnomAD compares: Middle Eastern, 4.9%; 838 homozygotes.

Submissions (4):

Labcorp Genetics (formerly Invitae), Labcorp
Classification: Benign. Last evaluated: 2026-02-03. Review status: criteria provided, single submitter. Criteria: Invitae Variant Classification Sherloc (09022015). Collection method: clinical testing. Allele origin: germline.

Mayo Clinic Laboratories, Mayo Clinic
Classification: Benign. Last evaluated: 2023-02-21. Review status: criteria provided, single submitter. Criteria: ACMG Guidelines, 2015. Collection method: clinical testing. Allele origin: germline. Observed: 31 variant alleles.
Comment: BS1, BS2

GeneDx
Classification: Likely benign. Last evaluated: 2020-10-20. Review status: criteria provided, single submitter. Criteria: GeneDx Variant Classification Process June 2021. Collection method: clinical testing. Allele origin: germline. Affected: yes.

Breakthrough Genomics
Classification: Likely benign. Review status: criteria provided, single submitter. Criteria: ACMG Guidelines, 2015. Collection method: not provided. Allele origin: germline. Inheritance: Autosomal dominant inheritance. Affected: yes.

NM_004736.4(XPR1):c.1128A>G (p.Lys376=)

Gene: XPR1 (xenotropic and polytropic retrovirus receptor 1; plus strand). Cytogenetic location: 1q25.3.
Variant type: single nucleotide variant.
Coding change: c.1128A>G on transcript NM_004736.4 (MANE Select); coding-DNA position 1128, A replaced by G.
Protein change: p.Lys376=; no amino-acid change (lysine 376 retained).
Molecular consequence: synonymous variant. On other transcripts: non-coding transcript variant (1).
Genome position (GRCh38, 1-based): chr1:180,825,338, A>G. VCF-style: chr1-180825338-A-G. GRCh37 (hg19) VCF-style: chr1-180794474-A-G.
Other names: p.Lys376=; c.1128A>G, p.Lys376= (NM_001135669.2, NM_001328662.2).
Identifiers: ClinVar variation 1296715 (VCV001296715.11), dbSNP rs35706835, ClinGen allele CA1272685.